The following is an entry in ClinVar:

ClinVar aggregate classification (germline): Uncertain significance (1 of 4 stars; one submission).

Conditions:
Neurodevelopmental disorder with hypotonia, brain anomalies, distinctive facies, and absent language. Also called: ReNU SYNDROME; RNU4-2-Related Neurodevelopmental Disorder; RNU4-2–Related Autosomal Dominant Neurodevelopmental Disorder. Identifiers: Orphanet 686488, MedGen C5935628, MONDO:0971172, OMIM 620851.

Submission:

Centre for Population Genomics, CPG
Classification: Uncertain significance for RNU4-2-Related Neurodevelopmental Disorder. Last evaluated: 2026-02-11. Review status: criteria provided, single submitter. Criteria: Ellingford et al. (Genome Med. 2022). Collection method: research. Allele origin: germline. Inheritance: Autosomal recessive inheritance. Affected: yes. Observed: 1 variant allele, 1 compound heterozygote.
Comment: PM2_supp,PM1

NR_003137.3(RNU4-2):n.8C>T

Genes: RNU4-2 (RNA, U4 small nuclear 2; minus strand), SIRT4 (sirtuin 4; plus strand). Cytogenetic location: 12q24.23.
Variant type: single nucleotide variant.
Molecular consequence: non-coding transcript variant (on NR_003137.3).
Genome position: GRCh38 VCF-style: chr12-120291896-G-A. GRCh37 (hg19) VCF-style: chr12-120729699-G-A.
Identifiers: ClinVar variation 4795809 (VCV004795809.1).